The following is an entry in ClinVar:

ClinVar aggregate classification (germline): Uncertain significance. Review status: criteria provided, multiple submitters, no conflicts (2 of 4 stars). 3 submissions from 3 submitters: Uncertain significance (3). Last evaluated 2022-08-16.

Conditions:
Autosomal recessive ataxia, Beauce type. Also called: Spinocerebellar ataxia, autosomal recessive 8; ATAXIA, RECESSIVE, OF BEAUCE; SYNE1 Deficiency; SYNE1-Related Autosomal Recessive Cerebellar Ataxia. Identifiers: Orphanet 88644, MedGen C1853116, MONDO:0012549, OMIM 610743.
Emery-Dreifuss muscular dystrophy 4, autosomal dominant (EDMD4). Also called: EMERY-DREIFUSS MUSCULAR DYSTROPHY 4 WITH VARIABLE FEATURES. Identifiers: Orphanet 261, MedGen C2751807, MONDO:0013071, OMIM 612998.

Allele frequency attached by ClinVar (database versions not stated): ExAC 0.00002; gnomAD 0.00002; gnomAD exomes 0.00002; TOPMed 0.00002.
gnomAD v4.1: 56 of 1,614,050 alleles (0.0035%); highest among the groups gnomAD compares: Non-Finnish European, 0.0044%; no homozygotes.

Submissions (3):

Labcorp Genetics (formerly Invitae), Labcorp
Classification: Uncertain significance for Emery-Dreifuss muscular dystrophy 4, autosomal dominant; Autosomal recessive ataxia, Beauce type. Last evaluated: 2022-08-16. Review status: criteria provided, single submitter. Criteria: Invitae Variant Classification Sherloc (09022015). Collection method: clinical testing. Allele origin: germline.
Comment: This sequence change replaces leucine, which is neutral and non-polar, with phenylalanine, which is neutral and non-polar, at codon 5620 of the SYNE1 protein (p.Leu5620Phe). This variant is present in population databases (rs767705064, gnomAD 0.004%). This variant has not been reported in the literature in individuals affected with SYNE1-related conditions. ClinVar contains an entry for this variant (Variation ID: 290530). Algorithms developed to predict the effect of missense changes on protein structure and function (SIFT, PolyPhen-2, Align-GVGD) all suggest that this variant is likely to be tolerated. In summary, the available evidence is currently insufficient to determine the role of this variant in disease. Therefore, it has been classified as a Variant of Uncertain Significance.

Athena Diagnostics
Classification: Uncertain significance. Last evaluated: 2021-06-25. Review status: criteria provided, single submitter. Criteria: Athena Diagnostics Criteria. Collection method: clinical testing. Allele origin: unknown.

Eurofins Ntd Llc (ga)
Classification: Uncertain significance. Last evaluated: 2016-08-16. Review status: criteria provided, single submitter. Criteria: EGL Classification Definitions 2015. Collection method: clinical testing. Allele origin: germline. Observed: 1 variant allele, 1 heterozygote.

NM_182961.4(SYNE1):c.17071C>T (p.Leu5691Phe)

Genes: SYNE1 (spectrin repeat containing nuclear envelope protein 1; minus strand), LOC126859837 (BRD4-independent group 4 enhancer GRCh37_chr6:152630775-152631974; plus strand). Cytogenetic location: 6q25.2.
Variant type: single nucleotide variant.
Coding change: c.17071C>T on transcript NM_182961.4 (MANE Select); coding-DNA position 17071, C replaced by T.
Protein change: p.Leu5691Phe; replaces leucine 5691 with phenylalanine.
Molecular consequence: missense variant.
Genome position (GRCh38, 1-based): chr6:152,309,966, G>A on the plus strand (C>T on the coding strand, the complement: SYNE1 is on the minus strand). VCF-style: chr6-152309966-G-A. GRCh37 (hg19) VCF-style: chr6-152631101-G-A.
Other names: c.16858C>T, p.Leu5620Phe (NM_033071.5); short protein forms L5620F, L5691F.
Identifiers: ClinVar variation 290530 (VCV000290530.10), dbSNP rs767705064, ClinGen allele CA4055346.